The following is an entry in ClinVar:

ClinVar aggregate classification (germline): Uncertain significance. Review status: criteria provided, multiple submitters, no conflicts (2 of 4 stars). 2 submissions from 2 submitters: Uncertain significance (2). Last evaluated 2025-06-07.

Submissions (2):

Dasa
Classification: Uncertain significance. Last evaluated: 2025-06-07. Review status: criteria provided, single submitter. Criteria: DASA Assertion Criteria. Collection method: clinical testing. Allele origin: germline.
Comment: NM_001184.4(ATR):c.5618G>A (p.Gly1873Asp) is a missense variant that results in the substitution of glycine with aspartic acid. This variant is absent from population databases. Computational prediction algorithms are consistent with a benign effect. The currently available literature and clinical evidence are not sufficient to establish a definitive association between this variant and the reported condition. Therefore, this variant is classified as a variant of uncertain significance.

Labcorp Genetics (formerly Invitae), Labcorp
Classification: Uncertain significance. Last evaluated: 2022-12-10. Review status: criteria provided, single submitter. Criteria: Invitae Variant Classification Sherloc (09022015). Collection method: clinical testing. Allele origin: germline.
Comment: In summary, the available evidence is currently insufficient to determine the role of this variant in disease. Therefore, it has been classified as a Variant of Uncertain Significance. Algorithms developed to predict the effect of missense changes on protein structure and function output the following: SIFT: "Tolerated"; PolyPhen-2: "Benign"; Align-GVGD: "Class C0". The aspartic acid amino acid residue is found in multiple mammalian species, which suggests that this missense change does not adversely affect protein function. ClinVar contains an entry for this variant (Variation ID: 1019607). This variant has not been reported in the literature in individuals affected with ATR-related conditions. This variant is not present in population databases (gnomAD no frequency). This sequence change replaces glycine, which is neutral and non-polar, with aspartic acid, which is acidic and polar, at codon 1873 of the ATR protein (p.Gly1873Asp).

NM_001184.4(ATR):c.5618G>A (p.Gly1873Asp)

Gene: ATR (ATR checkpoint kinase; minus strand). Cytogenetic location: 3q23.
Variant type: single nucleotide variant.
Coding change: c.5618G>A on transcript NM_001184.4 (MANE Select); coding-DNA position 5618, G replaced by A.
Protein change: p.Gly1873Asp; replaces glycine 1873 with aspartic acid.
Molecular consequence: missense variant.
Genome position (GRCh38, 1-based): chr3:142,497,133, C>T on the plus strand (G>A on the coding strand, the complement: ATR is on the minus strand). VCF-style: chr3-142497133-C-T. GRCh37 (hg19) VCF-style: chr3-142215975-C-T.
Other names: c.5426G>A, p.Gly1809Asp (NM_001354579.2); short protein forms G1809D, G1873D.
Identifiers: ClinVar variation 1019607 (VCV001019607.10), dbSNP rs2031696073, ClinGen allele CA354814851.